The following is an entry in ClinVar:

ClinVar aggregate classification (germline): Uncertain significance. Review status: criteria provided, multiple submitters, no conflicts (2 of 4 stars). 2 submissions from 2 submitters: Uncertain significance (2). Last evaluated 2025-08-05.

Conditions:
Primary dilated cardiomyopathy (DCM). Also called: Dilated Cardiomyopathy. Identifiers: Orphanet 217604, MedGen C0007193, MeSH D002311, MONDO:0005021, HP:0001644. Inheritance: Various modes of inheritance.
Cardiovascular phenotype. Identifiers: MedGen CN230736.

Allele frequency attached by ClinVar (database versions not stated): ExAC 0.00001; TOPMed 0.00002; gnomAD exomes 0.00001 and 0.00002; gnomAD 0.00002 and 0.00003.
gnomAD v4.1: 15 of 1,613,554 alleles (0.00093%); highest among the groups gnomAD compares: South Asian, 0.0055%; no homozygotes.

Submissions (2):

Ambry Genetics
Classification: Uncertain significance for Cardiovascular phenotype. Last evaluated: 2025-08-05. Review status: criteria provided, single submitter. Criteria: Ambry Variant Classification Scheme 2023. Collection method: clinical testing. Allele origin: germline.

Labcorp Genetics (formerly Invitae), Labcorp
Classification: Uncertain significance for Primary dilated cardiomyopathy. Last evaluated: 2025-04-23. Review status: criteria provided, single submitter. Criteria: Invitae Variant Classification Sherloc (09022015). Collection method: clinical testing. Allele origin: germline.
Comment: This sequence change replaces aspartic acid, which is acidic and polar, with asparagine, which is neutral and polar, at codon 182 of the TXNRD2 protein (p.Asp182Asn). This variant is present in population databases (rs752857898, gnomAD 0.007%). This variant has not been reported in the literature in individuals affected with TXNRD2-related conditions. ClinVar contains an entry for this variant (Variation ID: 1361766). Invitae Evidence Modeling of protein sequence and biophysical properties (such as structural, functional, and spatial information, amino acid conservation, physicochemical variation, residue mobility, and thermodynamic stability) indicates that this missense variant is not expected to disrupt TXNRD2 protein function with a negative predictive value of 80%. In summary, the available evidence is currently insufficient to determine the role of this variant in disease. Therefore, it has been classified as a Variant of Uncertain Significance.

NM_006440.5(TXNRD2):c.544G>A (p.Asp182Asn)

Gene: TXNRD2 (thioredoxin reductase 2; minus strand). Cytogenetic location: 22q11.21.
Variant type: single nucleotide variant.
Coding change: c.544G>A on transcript NM_006440.5 (MANE Select); coding-DNA position 544, G replaced by A.
Protein change: p.Asp182Asn; replaces aspartic acid 182 with asparagine.
Molecular consequence: missense variant. On other transcripts: non-coding transcript variant (1).
Genome position (GRCh38, 1-based): chr22:19,915,261, C>T on the plus strand (G>A on the coding strand, the complement: TXNRD2 is on the minus strand). VCF-style: chr22-19915261-C-T. GRCh37 (hg19) VCF-style: chr22-19902784-C-T.
Other names: c.544G>A, p.Asp182Asn (NM_001282512.3); c.541G>A, p.Asp181Asn (NM_001352300.2); c.454G>A, p.Asp152Asn (NM_001352301.2); c.256G>A, p.Asp86Asn (NM_001352302.2); c.448G>A, p.Asp150Asn (NM_001352303.2); c.544G>A (NM_006440.3); short protein forms D152N, D181N, D86N, D150N, D182N.
Identifiers: ClinVar variation 1361766 (VCV001361766.11), dbSNP rs752857898, ClinGen allele CA10104133.